The following is an entry in ClinVar:

ClinVar aggregate classification (germline): Uncertain significance (1 of 4 stars; one submission).

Allele frequency attached by ClinVar (database versions not stated): TOPMed 0.00001; gnomAD 0.00001.
gnomAD v4.1: 6 of 1,614,068 alleles (0.00037%); highest among the groups gnomAD compares: South Asian, 0.0033%; no homozygotes.

Submission:

GeneDx
Classification: Uncertain significance. Last evaluated: 2017-05-31. Review status: criteria provided, single submitter. Criteria: GeneDx Variant Classification (06012015). Collection method: clinical testing. Allele origin: germline. Affected: yes.
Comment: The C90Y variant in the SMOC2 gene has not been reported previously as a pathogenic variant, nor as a benign variant, to our knowledge. The C90Y variant is not observed in large population cohorts (Lek et al., 2016; 1000 Genomes Consortium et al., 2015; Exome Variant Server). The C90Y variant is a non-conservative amino acid substitution, which is likely to impact secondary protein structure as these residues differ in polarity, charge, size and/or other properties. This substitution occurs at a position that is conserved across species, and in silico analysis predicts this variant is probably damaging to the protein structure/function. We interpret C90Y as a variant of uncertain significance.

NM_001166412.2(SMOC2):c.269G>A (p.Cys90Tyr)

Gene: SMOC2 (SPARC related modular calcium binding 2; plus strand). Cytogenetic location: 6q27.
Variant type: single nucleotide variant.
Coding change: c.269G>A on transcript NM_001166412.2 (MANE Select); coding-DNA position 269, G replaced by A.
Protein change: p.Cys90Tyr; replaces cysteine 90 with tyrosine.
Molecular consequence: missense variant.
Genome position (GRCh38, 1-based): chr6:168,526,358, G>A. VCF-style: chr6-168526358-G-A. GRCh37 (hg19) VCF-style: chr6-168927038-G-A.
Other names: c.269G>A, p.Cys90Tyr (NM_022138.3); short protein forms C90Y.
Identifiers: ClinVar variation 432363 (VCV000432363.2), dbSNP rs1378145545, ClinGen allele CA366487905.